The following is an entry in ClinVar:

NM_006912.6(RIT1):c.159C>T (p.Thr53=)

Gene: RIT1 (Ras like without CAAX 1; minus strand). Cytogenetic location: 1q22.
Variant type: single nucleotide variant.
Coding change: c.159C>T on transcript NM_006912.6 (MANE Select); coding-DNA position 159, C replaced by T.
Protein change: p.Thr53=; no amino-acid change (threonine 53 retained).
Molecular consequence: synonymous variant.
Genome position (GRCh38, 1-based): chr1:155,910,454, G>A on the plus strand (C>T on the coding strand, the complement: RIT1 is on the minus strand). VCF-style: chr1-155910454-G-A. GRCh37 (hg19) VCF-style: chr1-155880245-G-A.
Other names: c.51C>T, p.Thr17= (NM_001256820.2); c.210C>T, p.Thr70= (NM_001256821.2); c.210C>T (NM_001256821.1).
Identifiers: ClinVar variation 3699553 (VCV003699553.3).

ClinVar aggregate classification (germline): Likely benign. Review status: criteria provided, multiple submitters, no conflicts (2 of 4 stars). 2 submissions from 2 submitters: Likely benign (2). Last evaluated 2025-05-28.

Conditions:
RIT1-related disorder. Also called: RIT1-related condition.
Noonan syndrome 8 (NS8). Identifiers: Orphanet 648, MedGen C3809233, MONDO:0014143, OMIM 615355.

Submissions (2):

PreventionGenetics, part of Exact Sciences
Classification: Likely benign for RIT1-related condition. Last evaluated: 2025-05-28. Review status: criteria provided, single submitter. Criteria: ACMG Guidelines, 2015. Collection method: clinical testing. Allele origin: germline.
Comment: This variant is classified as likely benign based on ACMG/AMP sequence variant interpretation guidelines (Richards et al. 2015 PMID: 25741868, with internal and published modifications).

Labcorp Genetics (formerly Invitae), Labcorp
Classification: Likely benign for Noonan syndrome 8. Last evaluated: 2025-01-07. Review status: criteria provided, single submitter. Criteria: Invitae Variant Classification Sherloc (09022015). Collection method: clinical testing. Allele origin: germline.